The following is an entry in ClinVar:

ClinVar aggregate classification (germline): Uncertain significance (1 of 4 stars; one submission).

gnomAD v4.1: 35 of 1,614,146 alleles (0.0022%); highest among the groups gnomAD compares: South Asian, 0.011%; no homozygotes.

Submission:

Labcorp Genetics (formerly Invitae), Labcorp
Classification: Uncertain significance. Last evaluated: 2025-11-27. Review status: criteria provided, single submitter. Criteria: Invitae Variant Classification Sherloc (09022015). Collection method: clinical testing. Allele origin: germline.
Comment: This sequence change replaces arginine, which is basic and polar, with histidine, which is basic and polar, at codon 33 of the CENPJ protein (p.Arg33His). This variant is present in population databases (rs745427182, gnomAD 0.02%). This variant has not been reported in the literature in individuals affected with CENPJ-related conditions. Invitae Evidence Modeling of protein sequence and biophysical properties (such as structural, functional, and spatial information, amino acid conservation, physicochemical variation, residue mobility, and thermodynamic stability) indicates that this missense variant is not expected to disrupt CENPJ protein function with a negative predictive value of 80%. In summary, the available evidence is currently insufficient to determine the role of this variant in disease. Therefore, it has been classified as a Variant of Uncertain Significance.

NM_018451.5(CPAP):c.98G>A (p.Arg33His)

Gene: CPAP (centrosome assembly and centriole elongation protein; minus strand). Cytogenetic location: 13q12.13.
Variant type: single nucleotide variant.
Coding change: c.98G>A on transcript NM_018451.5 (MANE Select); coding-DNA position 98, G replaced by A.
Protein change: p.Arg33His; replaces arginine 33 with histidine.
Molecular consequence: missense variant. On other transcripts: non-coding transcript variant (2).
Genome position (GRCh38, 1-based): chr13:24,912,928, C>T on the plus strand (G>A on the coding strand, the complement: CPAP is on the minus strand). VCF-style: chr13-24912928-C-T. GRCh37 (hg19) VCF-style: chr13-25487066-C-T.
Other names: short protein forms R33H.
Identifiers: ClinVar variation 4691532 (VCV004691532.1).